The following is an entry in ClinVar:

NM_001110556.2(FLNA):c.6651G>A (p.Lys2217=)

Gene: FLNA (filamin A; minus strand). Cytogenetic location: Xq28.
Variant type: single nucleotide variant.
Coding change: c.6651G>A on transcript NM_001110556.2 (MANE Select); coding-DNA position 6651, G replaced by A.
Protein change: p.Lys2217=; no amino-acid change (lysine 2217 retained).
Molecular consequence: synonymous variant.
Genome position (GRCh38, 1-based): chrX:154,352,299, C>T on the plus strand (G>A on the coding strand, the complement: FLNA is on the minus strand). VCF-style: chrX-154352299-C-T. GRCh37 (hg19) VCF-style: chrX-153580667-C-T.
Other names: c.6627G>A, p.Lys2209= (NM_001456.4); c.6651G>A (NM_001110556.1).
Identifiers: ClinVar variation 389336 (VCV000389336.13), dbSNP rs782053982, ClinGen allele CA10560053.

ClinVar aggregate classification (germline): Benign/Likely benign. Review status: criteria provided, multiple submitters, no conflicts (2 of 4 stars). 6 submissions from 6 submitters: Benign (2); Likely benign (4). Last evaluated 2026-08-26.

Conditions:
Oto-palato-digital syndrome, type II (OPD2). Also called: OPD II SYNDROME; Otopalatodigital Syndrome, Type II; FACIOPALATOOSSEOUS SYNDROME; Otopalatodigital Syndrome Type 2 (FLNA-OPD2). Identifiers: Orphanet 669, Orphanet 90652, MedGen C1844696, MONDO:0010571, OMIM 304120.
Melnick-Needles syndrome (MNS). Also called: MELNICK-NEEDLES OSTEODYSPLASTY; OSTEODYSPLASTY OF MELNICK AND NEEDLES; Melnick-Needles Syndrome (FLNA-MNS). Identifiers: Orphanet 2484, MedGen C0025237, MONDO:0010650, OMIM 309350.
Heterotopia, periventricular, X-linked dominant (PVNH1). Also called: PERIVENTRICULAR NODULAR HETEROTOPIA 1; X-linked periventricular heterotopia; PERIVENTRICULAR NODULAR HETEROTOPIA 4; HETEROTOPIA, PERIVENTRICULAR, 1. Identifiers: Orphanet 2149, Orphanet 82004, MedGen C1848213, MONDO:0010233, OMIM 300049.
Frontometaphyseal dysplasia (FMD1). Identifiers: Orphanet 1826, MedGen C0265293, MONDO:0015942.
FLNA-related disorder.
Familial thoracic aortic aneurysm and aortic dissection (TAAD). Also called: Thoracic aortic aneurysms and dissections. Identifiers: Orphanet 91387, MedGen C4707243, MONDO:0019625.

Allele frequency attached by ClinVar (database versions not stated): gnomAD 0.00006 and 0.00007; gnomAD exomes 0.00006 and 0.00009; TOPMed 0.00006; ExAC 0.00008.
gnomAD v4.1: 108 of 1,210,377 alleles (0.0089%); highest among the groups gnomAD compares: Non-Finnish European, 0.012%; no homozygotes.

Submissions (6):

PreventionGenetics, part of Exact Sciences
Classification: Likely benign for FLNA-related condition. Last evaluated: 2026-08-26. Review status: criteria provided, single submitter. Criteria: ACMG Guidelines, 2015. Collection method: clinical testing. Allele origin: germline.
Comment: This variant is classified as likely benign based on ACMG/AMP sequence variant interpretation guidelines (Richards et al. 2015 PMID: 25741868, with internal and published modifications).

Labcorp Genetics (formerly Invitae), Labcorp
Classification: Benign for Oto-palato-digital syndrome, type II; Heterotopia, periventricular, X-linked dominant; Frontometaphyseal dysplasia; Melnick-Needles syndrome. Last evaluated: 2025-11-27. Review status: criteria provided, single submitter. Criteria: Invitae Variant Classification Sherloc (09022015). Collection method: clinical testing. Allele origin: germline.

Blueprint Genetics
Classification: Likely benign. Last evaluated: 2024-07-16. Review status: criteria provided, single submitter. Criteria: ACMG Guidelines, 2015. Collection method: clinical testing. Allele origin: germline.

Women's Health and Genetics/Laboratory Corporation of America, LabCorp
Classification: Benign. Last evaluated: 2024-03-30. Review status: criteria provided, single submitter. Criteria: LabCorp Variant Classification Summary - May 2015. Collection method: clinical testing. Allele origin: germline.

Ambry Genetics
Classification: Likely benign for Familial thoracic aortic aneurysm and aortic dissection. Last evaluated: 2019-07-08. Review status: criteria provided, single submitter. Criteria: Ambry Variant Classification Scheme 2023. Collection method: clinical testing. Allele origin: germline.

GeneDx
Classification: Likely benign. Last evaluated: 2017-07-13. Review status: criteria provided, single submitter. Criteria: GeneDx Variant Classification (06012015). Collection method: clinical testing. Allele origin: germline. Affected: yes.
Comment: This variant is considered likely benign or benign based on one or more of the following criteria: it is a conservative change, it occurs at a poorly conserved position in the protein, it is predicted to be benign by multiple in silico algorithms, and/or has population frequency not consistent with disease.